The following is an entry in ClinVar:

ClinVar aggregate classification (germline): Uncertain significance (1 of 4 stars; one submission).

Allele frequency attached by ClinVar (database versions not stated): TOPMed below 0.00001; ExAC 0.00001; gnomAD 0.00001; gnomAD exomes 0.00001; ESP Exome Variant Server 0.00008.
gnomAD v4.1: 1 of 1,614,026 alleles (0.000062%); highest among the groups gnomAD compares: South Asian, 0.0011%; no homozygotes.

Submission:

Labcorp Genetics (formerly Invitae), Labcorp
Classification: Uncertain significance. Last evaluated: 2022-08-19. Review status: criteria provided, single submitter. Criteria: Invitae Variant Classification Sherloc (09022015). Collection method: clinical testing. Allele origin: germline.
Comment: This sequence change replaces isoleucine, which is neutral and non-polar, with threonine, which is neutral and polar, at codon 484 of the ERCC3 protein (p.Ile484Thr). This variant is present in population databases (rs371767613, gnomAD no frequency). This missense change has been observed in individual(s) with clinical features of xeroderma pigmentosum/Cockayne syndrome (Invitae). In at least one individual the data is consistent with being in trans (on the opposite chromosome) from a pathogenic variant. ClinVar contains an entry for this variant (Variation ID: 1346717). Algorithms developed to predict the effect of missense changes on protein structure and function (SIFT, PolyPhen-2, Align-GVGD) all suggest that this variant is likely to be disruptive. In summary, the available evidence is currently insufficient to determine the role of this variant in disease. Therefore, it has been classified as a Variant of Uncertain Significance.

NM_000122.2(ERCC3):c.1451T>C (p.Ile484Thr)

Gene: ERCC3 (ERCC excision repair 3, TFIIH core complex helicase subunit; minus strand). Cytogenetic location: 2q14.3.
Variant type: single nucleotide variant.
Coding change: c.1451T>C on transcript NM_000122.2 (MANE Select); coding-DNA position 1451, T replaced by C.
Protein change: p.Ile484Thr; replaces isoleucine 484 with threonine.
Molecular consequence: missense variant.
Genome position (GRCh38, 1-based): chr2:127,280,523, A>G on the plus strand (T>C on the coding strand, the complement: ERCC3 is on the minus strand). VCF-style: chr2-127280523-A-G. GRCh37 (hg19) VCF-style: chr2-128038099-A-G.
Other names: c.1259T>C, p.Ile420Thr (NM_001303416.2, NM_001303418.2); short protein forms I484T, I420T.
Identifiers: ClinVar variation 1346717 (VCV001346717.8), dbSNP rs371767613, ClinGen allele CA1858268.
Genomic context (GRCh38, chr2:127,280,523, plus strand): 5'-TTGGCGATGTAGCCATTATTCTGCAGCTCCATCCAGTTGGCTTCGTAGAGCTTAGGCCCA[A>G]TCAGAAAATTTAAATCCACAATTTTGTCATCTTCGCGGACGAGGGTCGCAGTCAAACCCA-3'
Protein context (NP_000113.1, residues 474-494): DDKIVDLNFL[Ile484Thr]GPKLYEANWM